The following is an entry in ClinVar:

NM_000051.4(ATM):c.1774A>G (p.Ser592Gly)

Gene: ATM (ATM serine/threonine kinase; plus strand). Cytogenetic location: 11q22.3.
Variant type: single nucleotide variant.
Coding change: c.1774A>G on transcript NM_000051.4 (MANE Select); coding-DNA position 1774, A replaced by G.
Protein change: p.Ser592Gly; replaces serine 592 with glycine.
Molecular consequence: missense variant.
Genome position (GRCh38, 1-based): chr11:108,252,003, A>G. VCF-style: chr11-108252003-A-G. GRCh37 (hg19) VCF-style: chr11-108122730-A-G.
Other names: c.1774A>G, p.Ser592Gly (NM_001351834.2); short protein forms S592G.
Identifiers: ClinVar variation 407489 (VCV000407489.16), dbSNP rs1060501558, ClinGen allele CA16613333.

ClinVar aggregate classification (germline): Uncertain significance. Review status: criteria provided, multiple submitters, no conflicts (2 of 4 stars). 4 submissions from 4 submitters: Uncertain significance (4). Last evaluated 2024-03-08.

Conditions:
Ataxia-telangiectasia syndrome (AT). Also called: Ataxia telangiectasia (A-T); LOUIS-BAR SYNDROME; Cerebello-oculocutaneous telangiectasia; Immunodeficiency with ataxia telangiectasia; Ataxia-telangiectasia, complementation group D; AT, COMPLEMENTATION GROUP C. Identifiers: Orphanet 100, MedGen C0004135, MONDO:0008840, OMIM 208900.
Hereditary cancer-predisposing syndrome. Also called: Hereditary neoplastic syndrome; Neoplastic Syndromes, Hereditary; Tumor predisposition; Hereditary Cancer Syndrome. Identifiers: Orphanet 140162, MedGen C0027672, MeSH D009386, MONDO:0015356.
Familial cancer of breast. Also called: Hereditary breast cancer; hereditary breast carcinoma; BREAST CANCER, FAMILIAL. Identifiers: Orphanet 227535, MedGen C0346153, MONDO:0016419, OMIM 114480. Disease mechanism: loss of function.

Submissions (4):

Ambry Genetics
Classification: Uncertain significance for Hereditary cancer-predisposing syndrome. Last evaluated: 2024-03-08. Review status: criteria provided, single submitter. Criteria: Ambry Variant Classification Scheme 2023. Collection method: clinical testing. Allele origin: germline.
Comment: The p.S592G variant (also known as c.1774A>G), located in coding exon 10 of the ATM gene, results from an A to G substitution at nucleotide position 1774. The serine at codon 592 is replaced by glycine, an amino acid with similar properties. This amino acid position is not well conserved in available vertebrate species. In addition, this alteration is predicted to be tolerated by in silico analysis. Since supporting evidence is limited at this time, the clinical significance of this alteration remains unclear.

Baylor Genetics
Classification: Uncertain significance for Familial cancer of breast. Last evaluated: 2024-02-07. Review status: criteria provided, single submitter. Criteria: ACMG Guidelines, 2015. Collection method: clinical testing. Allele origin: unknown.

Color Diagnostics, LLC DBA Color Health
Classification: Uncertain significance for Hereditary cancer-predisposing syndrome. Last evaluated: 2022-11-07. Review status: criteria provided, single submitter. Criteria: ACMG Guidelines, 2015. Collection method: clinical testing. Allele origin: germline.
Comment: This missense variant replaces serine with glycine at codon 592 of the ATM protein. Computational prediction suggests that this variant may not impact protein structure and function (internally defined REVEL score threshold <= 0.5, PMID: 27666373). To our knowledge, functional studies have not been reported for this variant. This variant has not been reported in individuals affected with ATM-related disorders in the literature. This variant has not been identified in the general population by the Genome Aggregation Database (gnomAD). The available evidence is insufficient to determine the role of this variant in disease conclusively. Therefore, this variant is classified as a Variant of Uncertain Significance.

Labcorp Genetics (formerly Invitae), Labcorp
Classification: Uncertain significance for Ataxia-telangiectasia syndrome. Last evaluated: 2021-08-03. Review status: criteria provided, single submitter. Criteria: Invitae Variant Classification Sherloc (09022015). Collection method: clinical testing. Allele origin: germline.
Comment: This sequence change replaces serine with glycine at codon 592 of the ATM protein (p.Ser592Gly). The serine residue is weakly conserved and there is a small physicochemical difference between serine and glycine. This variant is not present in population databases (ExAC no frequency) and has not been reported in the literature in individuals with a ATM-related disease. Algorithms developed to predict the effect of missense changes on protein structure and function (SIFT, PolyPhen-2, Align-GVGD) all suggest that this variant is likely to be tolerated, but these predictions have not been confirmed by published functional studies. In summary, this variant is a novel missense change that is not predicted to affect protein function. There is no indication that it causes disease, but the available evidence is currently insufficient to prove that conclusively. Therefore, it has been classified as a Variant of Uncertain Significance.